The following is an entry in ClinVar:

ClinVar aggregate classification (germline): Uncertain significance (1 of 4 stars; one submission).

Submission:

Labcorp Genetics (formerly Invitae), Labcorp
Classification: Uncertain significance. Last evaluated: 2023-10-23. Review status: criteria provided, single submitter. Criteria: Invitae Variant Classification Sherloc (09022015). Collection method: clinical testing. Allele origin: germline.
Comment: This sequence change replaces leucine, which is neutral and non-polar, with methionine, which is neutral and non-polar, at codon 800 of the POLE protein (p.Leu800Met). This variant is not present in population databases (gnomAD no frequency). This variant has not been reported in the literature in individuals affected with POLE-related conditions. Advanced modeling of protein sequence and biophysical properties (such as structural, functional, and spatial information, amino acid conservation, physicochemical variation, residue mobility, and thermodynamic stability) performed at Invitae indicates that this missense variant is expected to disrupt POLE protein function. In summary, the available evidence is currently insufficient to determine the role of this variant in disease. Therefore, it has been classified as a Variant of Uncertain Significance.

NM_006231.4(POLE):c.2398C>A (p.Leu800Met)

Gene: POLE (DNA polymerase epsilon, catalytic subunit; minus strand). Cytogenetic location: 12q24.33.
Variant type: single nucleotide variant.
Coding change: c.2398C>A on transcript NM_006231.4 (MANE Select); coding-DNA position 2398, C replaced by A.
Protein change: p.Leu800Met; replaces leucine 800 with methionine.
Molecular consequence: missense variant.
Genome position (GRCh38, 1-based): chr12:132,665,372, G>T on the plus strand (C>A on the coding strand, the complement: POLE is on the minus strand). VCF-style: chr12-132665372-G-T. GRCh37 (hg19) VCF-style: chr12-133241958-G-T.
Other names: short protein forms L800M.
Identifiers: ClinVar variation 2771145 (VCV002771145.3), dbSNP rs1333910199, ClinGen allele CA387397328.